The following is an entry in ClinVar:

NM_000540.3(RYR1):c.545C>T (p.Ser182Leu)

Gene: RYR1 (ryanodine receptor 1; plus strand). Cytogenetic location: 19q13.2.
Variant type: single nucleotide variant.
Coding change: c.545C>T on transcript NM_000540.3 (MANE Select); coding-DNA position 545, C replaced by T.
Protein change: p.Ser182Leu; replaces serine 182 with leucine.
Molecular consequence: missense variant.
Genome position (GRCh38, 1-based): chr19:38,444,591, C>T. VCF-style: chr19-38444591-C-T. GRCh37 (hg19) VCF-style: chr19-38935231-C-T.
Other names: c.545C>T, p.Ser182Leu (NM_001042723.2); short protein forms S182L.
Identifiers: ClinVar variation 2169711 (VCV002169711.5), dbSNP rs774285690, ClinGen allele CA067119.

ClinVar aggregate classification (germline): Uncertain significance. Review status: criteria provided, multiple submitters, no conflicts (2 of 4 stars). 2 submissions from 2 submitters: Uncertain significance (2). Last evaluated 2023-10-11.

Conditions:
RYR1-related disorder. Also called: RYR1-related condition; RYR1-related disorders. Identifiers: MedGen CN239331.
Malignant hyperthermia, susceptibility to, 1 (MHS1). Also called: RYR1-Related Malignant Hyperthermia Susceptibility; Malignant hyperthermia suceptibility 1; Anesthesia related hyperthermia; Malignant hyperpyrexia; Fulminating hyperpyrexia; Pharmacogenic myopathy. Identifiers: Orphanet 423, MedGen C2930980, MONDO:0007783, OMIM 145600.

gnomAD v4.1: 6 of 1,613,636 alleles (0.00037%); highest among the groups gnomAD compares: Non-Finnish European, 0.00034%; no homozygotes.

Submissions (2):

Labcorp Genetics (formerly Invitae), Labcorp
Classification: Uncertain significance for RYR1-related disorder. Last evaluated: 2023-10-11. Review status: criteria provided, single submitter. Criteria: Invitae Variant Classification Sherloc (09022015). Collection method: clinical testing. Allele origin: germline.
Comment: This sequence change replaces serine, which is neutral and polar, with leucine, which is neutral and non-polar, at codon 182 of the RYR1 protein (p.Ser182Leu). This variant is present in population databases (rs774285690, gnomAD 0.005%). This variant has not been reported in the literature in individuals affected with RYR1-related conditions. ClinVar contains an entry for this variant (Variation ID: 2169711). Advanced modeling of protein sequence and biophysical properties (such as structural, functional, and spatial information, amino acid conservation, physicochemical variation, residue mobility, and thermodynamic stability) performed at Invitae indicates that this missense variant is expected to disrupt RYR1 protein function. In summary, the available evidence is currently insufficient to determine the role of this variant in disease. Therefore, it has been classified as a Variant of Uncertain Significance.

All of Us Research Program, National Institutes of Health
Classification: Uncertain significance for Malignant hyperthermia, susceptibility to, 1. Last evaluated: 2023-04-27. Review status: criteria provided, single submitter. Criteria: ACMG Guidelines, 2015. Collection method: clinical testing. Allele origin: germline. Inheritance: Autosomal dominant inheritance. Observed: 1 variant allele, 1 heterozygote.
Comment: This study involves interpretation of variants in research participants for the purpose of population health screening. Participant phenotype was not available at the time of variant classification. Additional details can be found in publication PMID: 35346344, PMCID: PMC8962531